The following is an entry in ClinVar:

NM_001396030.1(NPIPB7):c.808C>G (p.Leu270Val)

Gene: NPIPB7 (nuclear pore complex interacting protein family member B7; minus strand). Cytogenetic location: 16p12.1.
Variant type: single nucleotide variant.
Coding change: c.808C>G on transcript NM_001396030.1 (MANE Select); coding-DNA position 808, C replaced by G.
Protein change: p.Leu270Val; replaces leucine 270 with valine.
Molecular consequence: missense variant.
Genome position (GRCh38, 1-based): chr16:28,456,861, G>C on the plus strand (C>G on the coding strand, the complement: NPIPB7 is on the minus strand). VCF-style: chr16-28456861-G-C. GRCh37 (hg19) VCF-style: chr16-28468182-G-C.
Other names: short protein forms L270V.
Identifiers: ClinVar variation 2646345 (VCV002646345.24), dbSNP rs200624719, ClinGen allele CA7980538.

ClinVar aggregate classification (germline): Likely benign (1 of 4 stars; one submission).

Allele frequency attached by ClinVar (database versions not stated): ExAC 0.00123; 1000 Genomes Project 30x 0.00125.

Submission:

CeGaT Center for Human Genetics Tuebingen
Classification: Likely benign. Last evaluated: 2023-01-01. Review status: criteria provided, single submitter. Criteria: CeGaT Center For Human Genetics Tuebingen Variant Classification Criteria Version 2. Collection method: clinical testing. Allele origin: germline. Affected: yes. Observed: 2 variant alleles.
Comment: NPIPB7: BP4, BS2